The following is an entry in ClinVar:

ClinVar aggregate classification (germline): Likely pathogenic (1 of 4 stars; one submission).

Submission:

Labcorp Genetics (formerly Invitae), Labcorp
Classification: Likely pathogenic. Last evaluated: 2023-12-15. Review status: criteria provided, single submitter. Criteria: Invitae Variant Classification Sherloc (09022015). Collection method: clinical testing. Allele origin: germline.
Comment: This sequence change affects a donor splice site in intron 5 of the DDR2 gene. It is expected to disrupt RNA splicing. Variants that disrupt the donor or acceptor splice site typically lead to a loss of protein function (PMID: 16199547), and loss-of-function variants in DDR2 are known to be pathogenic (PMID: 11375938, 29884795). This variant is not present in population databases (gnomAD no frequency). This variant has not been reported in the literature in individuals affected with DDR2-related conditions. Algorithms developed to predict the effect of sequence changes on RNA splicing suggest that this variant may disrupt the consensus splice site. In summary, the currently available evidence indicates that the variant is pathogenic, but additional data are needed to prove that conclusively. Therefore, this variant has been classified as Likely Pathogenic.

Literature cited by the submitters: PubMed 16199547; PubMed 11375938; PubMed 29884795.

NM_006182.4(DDR2):c.417+1G>T

Gene: DDR2 (discoidin domain receptor tyrosine kinase 2; plus strand). Cytogenetic location: 1q23.3.
Variant type: single nucleotide variant.
Coding change: c.417+1G>T on transcript NM_006182.4 (MANE Select); the canonical splice donor site of the intron after coding-DNA position 417, G replaced by T.
Molecular consequence: splice donor variant.
Genome position (GRCh38, 1-based): chr1:162,754,856, G>T. VCF-style: chr1-162754856-G-T. GRCh37 (hg19) VCF-style: chr1-162724646-G-T.
Other names: c.417+1G>T (NM_001354983.2, NM_001354982.2, NM_001014796.3).
Identifiers: ClinVar variation 2703347 (VCV002703347.3), dbSNP rs2102135193, ClinGen allele CA343405661.